The following is an entry in ClinVar:

ClinVar aggregate classification (germline): Uncertain significance (1 of 4 stars; one submission).

Submission:

Ambry Genetics
Classification: Uncertain significance. Last evaluated: 2025-05-19. Review status: criteria provided, single submitter. Criteria: Ambry Variant Classification Scheme 2023. Collection method: clinical testing. Allele origin: germline.
Comment: The p.C762S variant (also known as c.2284T>A), located in coding exon 8 of the RNF43 gene, results from a T to A substitution at nucleotide position 2284. The cysteine at codon 762 is replaced by serine, an amino acid with dissimilar properties. This amino acid position is conserved. In addition, the in silico prediction for this alteration is inconclusive. Based on the available evidence, the clinical significance of this variant remains unclear.

NM_017763.6(RNF43):c.2284T>A (p.Cys762Ser)

Gene: RNF43 (ring finger protein 43; minus strand). Cytogenetic location: 17q22.
Variant type: single nucleotide variant.
Coding change: c.2284T>A on transcript NM_017763.6 (MANE Select); coding-DNA position 2284, T replaced by A.
Protein change: p.Cys762Ser; replaces cysteine 762 with serine.
Molecular consequence: missense variant.
Genome position (GRCh38, 1-based): chr17:58,357,492, A>T on the plus strand (T>A on the coding strand, the complement: RNF43 is on the minus strand). VCF-style: chr17-58357492-A-T. GRCh37 (hg19) VCF-style: chr17-56434853-A-T.
Other names: c.2284T>A, p.Cys762Ser (NM_001305544.3); c.1903T>A, p.Cys635Ser (NM_001305545.2); short protein forms C762S, C635S.
Identifiers: ClinVar variation 3946903 (VCV003946903.1).
Genomic context (GRCh38, chr17:58,357,492, plus strand): 5'-TCTCCCTACCACACCCACTTCCCTCTGAAAACTCACCAGGCTGGGCCGACAGCACCTGGC[A>T]GTGCGGATAAGGGCATGGCCTGCCCTCTGCGGTGTCAGAACTCCATTCAGAAGGCCCCTC-3'
Protein context (NP_060233.3, residues 752-772): AEGRPCPYPH[Cys762Ser]QVLSAQPGSE